The following is an entry in ClinVar:

ClinVar aggregate classification (germline): Uncertain significance (1 of 4 stars; one submission).

Conditions:
Atrioventricular septal defect 5 (AVSD5). Identifiers: MedGen C3280939, MONDO:0013769, OMIM 614474.

Submission:

Labcorp Genetics (formerly Invitae), Labcorp
Classification: Uncertain significance for Atrioventricular septal defect 5. Last evaluated: 2023-01-18. Review status: criteria provided, single submitter. Criteria: Invitae Variant Classification Sherloc (09022015). Collection method: clinical testing. Allele origin: germline.
Comment: Algorithms developed to predict the effect of missense changes on protein structure and function are either unavailable or do not agree on the potential impact of this missense change (SIFT: "Tolerated"; PolyPhen-2: "Probably Damaging"; Align-GVGD: "Class C0"). In summary, the available evidence is currently insufficient to determine the role of this variant in disease. Therefore, it has been classified as a Variant of Uncertain Significance. This variant has not been reported in the literature in individuals affected with GATA6-related conditions. This variant is not present in population databases (gnomAD no frequency). This sequence change replaces serine, which is neutral and polar, with cysteine, which is neutral and slightly polar, at codon 43 of the GATA6 protein (p.Ser43Cys).

NM_005257.6(GATA6):c.128C>G (p.Ser43Cys)

Gene: GATA6 (GATA binding protein 6; plus strand). Cytogenetic location: 18q11.2.
Variant type: single nucleotide variant.
Coding change: c.128C>G on transcript NM_005257.6 (MANE Select); coding-DNA position 128, C replaced by G.
Protein change: p.Ser43Cys; replaces serine 43 with cysteine.
Molecular consequence: missense variant.
Genome position (GRCh38, 1-based): chr18:22,171,272, C>G. VCF-style: chr18-22171272-C-G. GRCh37 (hg19) VCF-style: chr18-19751233-C-G.
Other names: short protein forms S43C.
Identifiers: ClinVar variation 2829763 (VCV002829763.3), dbSNP rs968804836, ClinGen allele CA401798761.